The following is an entry in ClinVar:

NM_018406.7(MUC4):c.15765G>A (p.Ala5255=)

Gene: MUC4 (mucin 4, cell surface associated). Cytogenetic location: 3q29.
Variant type: single nucleotide variant.
Coding change: c.15765G>A on transcript NM_018406.7 (MANE Select); coding-DNA position 15765, G replaced by A.
Protein change: p.Ala5255=; no amino-acid change (alanine 5255 retained).
Molecular consequence: synonymous variant.
Genome position (GRCh38, 1-based): chr3:195,750,995, C>T on the plus strand (G>A on the coding strand, the complement: MUC4 is on the minus strand). VCF-style: chr3-195750995-C-T. GRCh37 (hg19) VCF-style: chr3-195477866-C-T.
Other names: c.3057G>A, p.Ala1019= (NM_004532.6); c.2904G>A, p.Ala968= (NM_138297.5).
Identifiers: ClinVar variation 3770970 (VCV003770970.13).
Genomic context (GRCh38, chr3:195,750,995, plus strand): 5'-CACGTCGTTCCTGGGCTCCTCACTCCTCCGTGGAACGTGGTATAAGAACGCCTCCACCAC[C>T]GCGGCCAGCAGCTGGTTGTTCAGGAAGTCAATGACCGGGCCCCGAGGGCGGTACTGGAAC-3'
Protein context (NP_060876.5, residues 5245-5265): IDFLNNQLLA[Ala5255=]VVEAFLYHVP

ClinVar aggregate classification (germline): Likely benign (1 of 4 stars; one submission).

gnomAD v4.1: 12 of 1,613,996 alleles (0.00074%); highest among the groups gnomAD compares: Admixed American, 0.0083%; no homozygotes.

Submission:

CeGaT Center for Human Genetics Tuebingen
Classification: Likely benign. Last evaluated: 2025-01-01. Review status: criteria provided, single submitter. Criteria: CeGaT Center For Human Genetics Tuebingen Variant Classification Criteria Version 2. Collection method: clinical testing. Allele origin: germline. Affected: yes. Observed: 1 variant allele.
Comment: MUC4: BP4, BP7